The following is an entry in ClinVar:

NM_001256789.3(CACNA1F):c.1178A>G (p.Glu393Gly)

Gene: CACNA1F (calcium voltage-gated channel subunit alpha1 F; minus strand). Cytogenetic location: Xp11.23.
Variant type: single nucleotide variant.
Coding change: c.1178A>G on transcript NM_001256789.3 (MANE Select); coding-DNA position 1178, A replaced by G.
Protein change: p.Glu393Gly; replaces glutamic acid 393 with glycine.
Molecular consequence: missense variant.
Genome position (GRCh38, 1-based): chrX:49,227,068, T>C on the plus strand (A>G on the coding strand, the complement: CACNA1F is on the minus strand). VCF-style: chrX-49227068-T-C. GRCh37 (hg19) VCF-style: chrX-49083530-T-C.
Other names: c.983A>G, p.Glu328Gly (NM_001256790.3); c.1178A>G, p.Glu393Gly (NM_005183.4); short protein forms E328G, E393G.
Identifiers: ClinVar variation 2834222 (VCV002834222.3), dbSNP rs2065833407, ClinGen allele CA412919111.

ClinVar aggregate classification (germline): Uncertain significance (1 of 4 stars; one submission).

Submission:

Labcorp Genetics (formerly Invitae), Labcorp
Classification: Uncertain significance. Last evaluated: 2023-12-25. Review status: criteria provided, single submitter. Criteria: Invitae Variant Classification Sherloc (09022015). Collection method: clinical testing. Allele origin: germline.
Comment: This sequence change replaces glutamic acid, which is acidic and polar, with glycine, which is neutral and non-polar, at codon 393 of the CACNA1F protein (p.Glu393Gly). This variant is not present in population databases (gnomAD no frequency). This variant has not been reported in the literature in individuals affected with CACNA1F-related conditions. Advanced modeling of protein sequence and biophysical properties (such as structural, functional, and spatial information, amino acid conservation, physicochemical variation, residue mobility, and thermodynamic stability) has been performed at Invitae for this missense variant, however the output from this modeling did not meet the statistical confidence thresholds required to predict the impact of this variant on CACNA1F protein function. In summary, the available evidence is currently insufficient to determine the role of this variant in disease. Therefore, it has been classified as a Variant of Uncertain Significance.